The following is an entry in ClinVar:

ClinVar aggregate classification (germline): Uncertain significance. Review status: criteria provided, multiple submitters, no conflicts (2 of 4 stars). 3 submissions from 3 submitters: Uncertain significance (3). Last evaluated 2025-04-03.

Conditions:
Charcot-Marie-Tooth disease type 2. Also called: Charcot-Marie-Tooth type 2. Identifiers: Orphanet 64746, MedGen C0270914, MONDO:0018993.
Neuroblastoma, susceptibility to, 1. Identifiers: MedGen C2749485, MONDO:0009741, OMIM 256700.

Allele frequency attached by ClinVar (database versions not stated): gnomAD exomes 0.00001 and 0.00003; TOPMed 0.00001; ExAC 0.00001.

Submissions (4):

Ambry Genetics
Classification: Uncertain significance. Last evaluated: 2025-04-03. Review status: criteria provided, single submitter. Criteria: Ambry Variant Classification Scheme 2023. Collection method: clinical testing. Allele origin: germline.
Comment: The p.M1005V variant (also known as c.3013A>G), located in coding exon 27 of the KIF1B gene, results from an A to G substitution at nucleotide position 3013. The methionine at codon 1005 is replaced by valine, an amino acid with highly similar properties. This amino acid position is well conserved in available vertebrate species. In addition, the in silico prediction for this alteration is inconclusive. The evidence for this gene-disease relationship is limited; therefore, the clinical significance of this alteration is unclear.

St. Jude Molecular Pathology, St. Jude Children's Research Hospital
Classification: Uncertain significance for Neuroblastoma, susceptibility to, 1. Last evaluated: 2024-06-22. Review status: criteria provided, single submitter. Criteria: St. Jude Assertion Criteria 2020. Collection method: clinical testing. Allele origin: germline.
Comment: The KIF1B c.3013A>G (p.Met1005Val) missense change has a maximum subpopulation frequency of 0.016% in gnomAD v2.1.1. The in silico tool REVEL is inconclusive about a pathogenic or benign effect of this variant on protein function, and to our knowledge functional studies have not been performed. To our knowledge, this variant has not been reported in individuals with pheochromocytoma or neuroblastoma. In summary, the evidence currently available is insufficient to determine the clinical significance of this variant. It has therefore been classified as of uncertain significance.

Labcorp Genetics (formerly Invitae), Labcorp
Classification: Uncertain significance for Charcot-Marie-Tooth disease type 2. Last evaluated: 2024-02-24. Review status: criteria provided, single submitter. Criteria: Invitae Variant Classification Sherloc (09022015). Collection method: clinical testing. Allele origin: germline.
Comment: This sequence change replaces methionine, which is neutral and non-polar, with valine, which is neutral and non-polar, at codon 1005 of the KIF1B protein (p.Met1005Val). This variant is present in population databases (rs765659089, gnomAD 0.02%). This variant has not been reported in the literature in individuals affected with KIF1B-related conditions. ClinVar contains an entry for this variant (Variation ID: 1389324). An algorithm developed to predict the effect of missense changes on protein structure and function (PolyPhen-2) suggests that this variant is likely to be tolerated. Algorithms developed to predict the effect of sequence changes on RNA splicing suggest that this variant may disrupt the consensus splice site. In summary, the available evidence is currently insufficient to determine the role of this variant in disease. Therefore, it has been classified as a Variant of Uncertain Significance.

Dr. Peter K. Rogan Lab, Western University
No classification provided (evidence only). Condition: Thyroid cancer, nonmedullary, 1. Review status: no classification provided. Collection method: in vitro. Allele origin: not applicable. Functional consequence: retained intron. Not counted in ClinVar's aggregate classification.

NM_001365951.3(KIF1B):c.3151A>G (p.Met1051Val)

Gene: KIF1B (kinesin family member 1B; plus strand). Cytogenetic location: 1p36.22.
Variant type: single nucleotide variant.
Coding change: c.3151A>G on transcript NM_001365951.3 (MANE Select); coding-DNA position 3151, A replaced by G.
Protein change: p.Met1051Val; replaces methionine 1051 with valine.
Molecular consequence: missense variant.
Genome position (GRCh38, 1-based): chr1:10,337,095, A>G. VCF-style: chr1-10337095-A-G. GRCh37 (hg19) VCF-style: chr1-10397153-A-G.
Other names: c.3151A>G, p.Met1051Val (NM_001365952.1); c.3013A>G, p.Met1005Val (NM_015074.3); short protein forms M1005V, M1051V.
Identifiers: ClinVar variation 1389324 (VCV001389324.11), dbSNP rs765659089, ClinGen allele CA581729.